The following is an entry in ClinVar:

ClinVar aggregate classification (germline): Likely pathogenic (1 of 4 stars; one submission).

Conditions:
Hereditary factor VIII deficiency disease (HEMA). Also called: HEMOPHILIA, CLASSIC; AUTOSOMAL HEMOPHILIA A; Hemophilia A; Hemophilia A, congenital; HEM A; Factor 8 deficiency, congenital. Identifiers: Orphanet 98878, MedGen C0019069, MONDO:0010602, OMIM 306700.

Submission:

ARUP Laboratories, Molecular Genetics and Genomics, ARUP Laboratories
Classification: Likely pathogenic for Hereditary factor VIII deficiency disease. Last evaluated: 2021-09-17. Review status: criteria provided, single submitter. Criteria: ARUP Molecular Germline Variant Investigation Process 2021. Collection method: clinical testing. Allele origin: germline.
Comment: The F8 c.650T>C; p.Leu217Pro variant, also known as Leu198Pro, is reported in the literature in multiple individuals affected with severe hemophilia A (F8 database and references therein, Lu 2018). This variant is absent from the Genome Aggregation Database, indicating it is not a common polymorphism. Additionally, other amino acid substitutions at this codon (Arg, Phe, His) have been reported in individuals with mild to severe hemophilia A (F8 database, Markoff 2018). The leucine at codon 217 is highly conserved, and computational analyses predict that this variant is deleterious (REVEL: 0.956). Based on available information, this variant is considered to be likely pathogenic. References: Link to F8 database: Lu Y et al. Spectrum and origin of mutations in sporadic cases of haemophilia A in China. Haemophilia. 2018 Mar;24(2):291-298. PMID: 29381227. Markoff A et al. Combined homology modelling and evolutionary significance evaluation of missense mutations in blood clotting factor VIII to highlight aspects of structure and function. Haemophilia. 2009 Jul;15(4):932-41. PMID: 19473423.

NM_000132.4(F8):c.650T>C (p.Leu217Pro)

Gene: F8 (coagulation factor VIII; minus strand). Cytogenetic location: Xq28.
Variant type: single nucleotide variant.
Coding change: c.650T>C on transcript NM_000132.4 (MANE Select); coding-DNA position 650, T replaced by C.
Protein change: p.Leu217Pro; replaces leucine 217 with proline.
Molecular consequence: missense variant.
Genome position (GRCh38, 1-based): chrX:154,987,257, A>G on the plus strand (T>C on the coding strand, the complement: F8 is on the minus strand). VCF-style: chrX-154987257-A-G. GRCh37 (hg19) VCF-style: chrX-154215532-A-G.
Other names: short protein forms L217P.
Identifiers: ClinVar variation 1331085 (VCV001331085.7), dbSNP rs2124134359, ClinGen allele CA414919239.